The following is an entry in ClinVar:

NM_001378328.1(CELSR1):c.6569C>T (p.Ser2190Leu)

Genes: CELSR1 (cadherin EGF LAG seven-pass G-type receptor 1; minus strand), LOC126863169 (BRD4-independent group 4 enhancer GRCh37_chr22:46782038-46783237; plus strand). Cytogenetic location: 22q13.31.
Variant type: single nucleotide variant.
Coding change: c.6569C>T on transcript NM_001378328.1 (MANE Select); coding-DNA position 6569, C replaced by T.
Protein change: p.Ser2190Leu; replaces serine 2190 with leucine.
Molecular consequence: missense variant.
Genome position (GRCh38, 1-based): chr22:46,386,572, G>A on the plus strand (C>T on the coding strand, the complement: CELSR1 is on the minus strand). VCF-style: chr22-46386572-G-A. GRCh37 (hg19) VCF-style: chr22-46782469-G-A.
Other names: c.6569C>T, p.Ser2190Leu (NM_014246.4); short protein forms S2190L.
Identifiers: ClinVar variation 1317860 (VCV001317860.2), dbSNP rs768579139, ClinGen allele CA10293714.
Genomic context (GRCh38, chr22:46,386,572, plus strand): 5'-TCGCTCCGCTGGATCTGCTCCCACGCCGCCCTGGTGGCTGGGGCCAGGAGGGCGCTGCCC[G>A]AGTGGATGACGTCCTGGTCAGACAGACAGCACTCAGTACTCAGCCTGCGGAGGCCTGGCT-3'
Protein context (NP_001365257.1, residues 2180-2200): DADFHEDVIH[Ser2190Leu]GSALLAPATR

ClinVar aggregate classification (germline): Uncertain significance (1 of 4 stars; one submission).

Allele frequency attached by ClinVar (database versions not stated): ExAC 0.00004; gnomAD exomes 0.00004; gnomAD 0.00013 and 0.00016; TOPMed 0.00014.
gnomAD v4.1: 52 of 1,594,520 alleles (0.0033%); highest among the groups gnomAD compares: African/African-American, 0.021%; no homozygotes.

Submission:

GeneDx
Classification: Uncertain significance. Last evaluated: 2021-01-05. Review status: criteria provided, single submitter. Criteria: GeneDx Variant Classification Process June 2021. Collection method: clinical testing. Allele origin: germline. Affected: yes.
Comment: In silico analysis supports that this missense variant does not alter protein structure/function; Observed with another missense variant in the CELSR1 gene in a patient with a neural tube defect in published literature, but familial segregation information and additional clinical information were not included (Allache et al., 2012); This variant is associated with the following publications: (PMID: 22371354, 24838524)